The following is an entry in ClinVar:

NM_002439.5(MSH3):c.2753T>C (p.Ile918Thr)

Gene: MSH3 (mutS homolog 3; plus strand). Cytogenetic location: 5q14.1.
Variant type: single nucleotide variant.
Coding change: c.2753T>C on transcript NM_002439.5 (MANE Select); coding-DNA position 2753, T replaced by C.
Protein change: p.Ile918Thr; replaces isoleucine 918 with threonine.
Molecular consequence: missense variant.
Genome position (GRCh38, 1-based): chr5:80,813,681, T>C. VCF-style: chr5-80813681-T-C. GRCh37 (hg19) VCF-style: chr5-80109500-T-C.
Other names: short protein forms I918T.
Identifiers: ClinVar variation 935549 (VCV000935549.12), dbSNP rs746195165, ClinGen allele CA3328347.
Genomic context (GRCh38, chr5:80,813,681, plus strand): 5'-ACATGGGTGGAAAGAGCTCCTACATAAAACAAGTTGCATTGATTACCATCATGGCTCAGA[T>C]TGGCTCCTATGTTCCTGCAGAAGAAGCGACAATTGGGATTGTGGATGGCATTTTCACAAG-3'
Protein context (NP_002430.3, residues 908-928): QVALITIMAQ[Ile918Thr]GSYVPAEEAT

ClinVar aggregate classification (germline): Uncertain significance. Review status: criteria provided, multiple submitters, no conflicts (2 of 4 stars). 3 submissions from 3 submitters: Uncertain significance (3). Last evaluated 2025-09-21.

Conditions:
Hereditary cancer-predisposing syndrome. Also called: Tumor predisposition; Hereditary neoplastic syndrome; Hereditary Cancer Syndrome; Neoplastic Syndromes, Hereditary. Identifiers: Orphanet 140162, MedGen C0027672, MeSH D009386, MONDO:0015356.

Allele frequency attached by ClinVar (database versions not stated): gnomAD exomes below 0.00001; ExAC 0.00001; TOPMed 0.00001.
gnomAD v4.1: 5 of 1,614,182 alleles (0.00031%); highest among the groups gnomAD compares: Middle Eastern, 0.016%; no homozygotes.

Submissions (3):

Ambry Genetics
Classification: Uncertain significance for Hereditary cancer-predisposing syndrome. Last evaluated: 2025-09-21. Review status: criteria provided, single submitter. Criteria: Ambry Variant Classification Scheme 2023. Collection method: clinical testing. Allele origin: germline.
Comment: The p.I918T variant (also known as c.2753T>C), located in coding exon 20 of the MSH3 gene, results from a T to C substitution at nucleotide position 2753. The isoleucine at codon 918 is replaced by threonine, an amino acid with similar properties. This amino acid position is not well conserved in available vertebrate species. In addition, the in silico prediction for this alteration is inconclusive. Since supporting evidence is limited at this time, the clinical significance of this alteration remains unclear.

Labcorp Genetics (formerly Invitae), Labcorp
Classification: Uncertain significance. Last evaluated: 2024-03-28. Review status: criteria provided, single submitter. Criteria: Invitae Variant Classification Sherloc (09022015). Collection method: clinical testing. Allele origin: germline.
Comment: This sequence change replaces isoleucine, which is neutral and non-polar, with threonine, which is neutral and polar, at codon 918 of the MSH3 protein (p.Ile918Thr). This variant is present in population databases (rs746195165, gnomAD 0.003%). This variant has not been reported in the literature in individuals affected with MSH3-related conditions. ClinVar contains an entry for this variant (Variation ID: 935549). An algorithm developed to predict the effect of missense changes on protein structure and function (PolyPhen-2) suggests that this variant is likely to be disruptive. In summary, the available evidence is currently insufficient to determine the role of this variant in disease. Therefore, it has been classified as a Variant of Uncertain Significance.

Sema4
Classification: Uncertain significance for Hereditary cancer-predisposing syndrome. Last evaluated: 2022-02-15. Review status: criteria provided, single submitter. Criteria: Sema4 Curation Guidelines. Collection method: curation. Allele origin: germline.
Comment: The MSH3 c.2753T>C (p.I918T) variant has not been reported in the literature to our knowledge. It was observed in 1/30616 chromosomes of the South Asian subpopulation in the large and broad cohorts of the Genome Aggregation Database (PMID: 32461654). The variant has been reported in ClinVar (Variation ID 935549). In silico tools suggest the impact of the variant on protein function is deleterious, though these predictions have not been confirmed by functional studies. The evidence is insufficient to meet ACMG/AMP criteria for classifying the variant as benign or pathogenic. Thus, the clinical significance of this variant is currently uncertain.